The following is an entry in ClinVar:

NM_000322.5(PRPH2):c.897_898del (p.Ser301fs)

Gene: PRPH2 (peripherin 2; minus strand). Cytogenetic location: 6p21.1.
Variant type: Deletion.
Coding change: c.897_898del on transcript NM_000322.5 (MANE Select); coding-DNA positions 897 to 898, 2 bases deleted (TG; older notation c.897_898delTG).
Protein change: p.Ser301fs; shifts the reading frame from serine 301.
Molecular consequence: frameshift variant.
Genome position (GRCh38, 1-based): chr6:42,698,438-42,698,439, CA deleted on the plus strand (TG on the coding strand, the reverse complement: PRPH2 is on the minus strand). VCF-style (leftmost placement, unchanged base first): chr6-42698437-TCA-T. GRCh37 (hg19) VCF-style: chr6-42666175-TCA-T.
Other names: c.897_898del (NM_000322.4); short protein forms S301fs.
Identifiers: ClinVar variation 13171 (VCV000013171.5), dbSNP rs61748429, ClinGen allele CA212946.

ClinVar aggregate classification (germline): Pathogenic. Review status: criteria provided, multiple submitters, no conflicts (2 of 4 stars). 5 submissions from 5 submitters: Pathogenic (2). 3 of the submissions do not count toward it. Last evaluated 2024-09-11.

Conditions:
PRPH2-related disorder. Also called: PRPH2-related condition; PRPH2-related disorders. Identifiers: MedGen CN239395.
Patterned macular dystrophy 1. Also called: MACULAR DYSTROPHY, BUTTERFLY-SHAPED PIGMENTARY; BUTTERFLY DYSTROPHY OF RETINAL PIGMENT EPITHELIUM. Identifiers: Orphanet 99001, MedGen C4551999, MONDO:0008210, OMIM 169150.
Retinal dystrophy. Also called: Inherited retinal dystrophy. Identifiers: Orphanet 71862, MedGen C0854723, MeSH D058499, MONDO:0019118, HP:0000556.

Submissions (5):

Labcorp Genetics (formerly Invitae), Labcorp
Classification: Pathogenic for PRPH2-related disorder. Last evaluated: 2024-09-11. Review status: criteria provided, single submitter. Criteria: Invitae Variant Classification Sherloc (09022015). Collection method: clinical testing. Allele origin: germline.
Comment: This sequence change results in a frameshift in the PRPH2 gene (p.Ser301Argfs*90). While this is not anticipated to result in nonsense mediated decay, it is expected to disrupt the last 46 amino acid(s) of the PRPH2 protein and extend the protein by 43 additional amino acid residues. This variant is not present in population databases (gnomAD no frequency). This frameshift has been observed in individual(s) with PRPH2-related conditions (PMID: 34411390). ClinVar contains an entry for this variant (Variation ID: 13171). This variant disrupts a region of the PRPH2 protein in which other variant(s) (p.Gly305Asp) have been determined to be pathogenic (PMID: 9338584; internal data). This suggests that this is a clinically significant region of the protein, and that variants that disrupt it are likely to be disease-causing. For these reasons, this variant has been classified as Pathogenic.

Institute of Human Genetics, Univ. Regensburg, Univ. Regensburg
Classification: Pathogenic for Retinal dystrophy. Last evaluated: 2010-01-01. Review status: criteria provided, single submitter. Criteria: ACMG Guidelines, 2015. Collection method: clinical testing. Allele origin: germline. Affected: yes.

Leiden Open Variation Database
Classification: Pathogenic. Last evaluated: 2021-04-06. Review status: no assertion criteria provided. Collection method: curation. Allele origin: germline. Affected: yes. Not counted in ClinVar's aggregate classification.
Comment: Curator: Global Variome, with Curator vacancy. Submitter to LOVD: Manon Peeters.

OMIM
Classification: Pathogenic for MACULAR DYSTROPHY, PATTERNED, 1. Last evaluated: 1993-05-01. Review status: no assertion criteria provided. Collection method: literature only. Allele origin: germline. Not counted in ClinVar's aggregate classification.

Retina International
No classification provided. Review status: no classification provided. Collection method: not provided. Allele origin: not provided. Not counted in ClinVar's aggregate classification.

Literature cited by the submitters: PubMed 34411390 (cited by Labcorp Genetics (formerly Invitae), Labcorp and Institute of Human Genetics, Univ. Regensburg, Univ. Regensburg); PubMed 9338584 (cited by Labcorp Genetics (formerly Invitae), Labcorp); PubMed 8251014 (cited by 3 submitters).